The following is an entry in ClinVar:

NM_001079802.2(FKTN):c.802G>T (p.Val268Leu)

Gene: FKTN (fukutin; plus strand). Cytogenetic location: 9q31.2.
Variant type: single nucleotide variant.
Coding change: c.802G>T on transcript NM_001079802.2 (MANE Select); coding-DNA position 802, G replaced by T.
Protein change: p.Val268Leu; replaces valine 268 with leucine.
Molecular consequence: missense variant. On other transcripts: non-coding transcript variant (1).
Genome position (GRCh38, 1-based): chr9:105,615,299, G>T. VCF-style: chr9-105615299-G-T. GRCh37 (hg19) VCF-style: chr9-108377580-G-T.
Other names: c.802G>T, p.Val268Leu (NM_001198963.2, NM_001351496.2, NM_001351498.2 and 1 more transcripts); c.733G>T, p.Val245Leu (NM_001351497.2); c.406G>T, p.Val136Leu (NM_001351499.2, NM_001351500.2, NM_001351501.2 and 1 more transcripts); short protein forms V268L, V245L, V136L.
Identifiers: ClinVar variation 238268 (VCV000238268.15), dbSNP rs878854165, ClinGen allele CA10582611.
Genomic context (GRCh38, chr9:105,615,299, plus strand): 5'-GAAATGGCTGTAATAGCTGACTATTTATTATATCTGTAGCAGTACCTTGATGATAACACT[G>T]TGGAAGCTGTGGCCTTTCGGAAGAGTGCAAAGGAATTACTGCAACTAGCAGCGAAAACAT-3'
Protein context (NP_001073270.1, residues 258-278): FFQQYLDDNT[Val268Leu]EAVAFRKSAK

ClinVar aggregate classification (germline): Uncertain significance. Review status: criteria provided, multiple submitters, no conflicts (2 of 4 stars). 6 submissions from 6 submitters: Uncertain significance (5). 1 of the submissions does not count toward it. Last evaluated 2024-12-05.

Conditions:
Walker-Warburg congenital muscular dystrophy. Also called: Muscular dystrophy-dystroglycanopathy, type A; Walker-Warburg syndrome. Identifiers: Orphanet 899, MedGen C0265221, MONDO:0000171.
Cardiovascular phenotype. Identifiers: MedGen CN230736.
Autosomal recessive limb-girdle muscular dystrophy type 2M. Also called: MUSCULAR DYSTROPHY-DYSTROGLYCANOPATHY (LIMB-GIRDLE), TYPE C, 4; MUSCULAR DYSTROPHY, LIMB-GIRDLE, TYPE 2M. Identifiers: Orphanet 206554, MedGen C1969040, MONDO:0012699, OMIM 611588.
Dilated cardiomyopathy 1X (CMD1X). Also called: FKTN-Related Dilated Cardiomyopathy; CARDIOMYOPATHY, DILATED, WITH MILD OR NO PROXIMAL MUSCLE WEAKNESS. Identifiers: Orphanet 154, MedGen C1969024, MONDO:0012704, OMIM 611615.
Muscular dystrophy-dystroglycanopathy (congenital with brain and eye anomalies), type A, 4 (MDDGA4). Also called: Muscular dystrophy, congenital progressive, with mental retardation; Muscular dystrophy, congenital, with central nervous system involvement; Cerebromuscular dystrophy, Fukuyama type; Fukuyama congenital muscular dystrophy; Walker-Warburg Syndrome, Fktn-Related; Congenital muscular dystrophy-dystroglycanopathy with brain and eye anomalies, type A4. Identifiers: Orphanet 272, Orphanet 588, Orphanet 899, MedGen C0410174, MONDO:0009678, OMIM 253800.
Muscular dystrophy-dystroglycanopathy (congenital without impaired intellectual development), type B, 4. Also called: Muscular dystrophy-dystroglycanopathy (congenital without intellectual disability), type B4; MUSCULAR DYSTROPHY, CONGENITAL, FKTN-RELATED. Identifiers: MedGen C2751052, MONDO:0013156, OMIM 613152.

Allele frequency attached by ClinVar (database versions not stated): gnomAD exomes below 0.00001; gnomAD 0.00001; TOPMed 0.00001.
gnomAD v4.1: 5 of 1,613,910 alleles (0.00031%); highest among the groups gnomAD compares: Non-Finnish European, 0.00017%; no homozygotes.

Submissions (6):

Ambry Genetics
Classification: Uncertain significance for Cardiovascular phenotype. Last evaluated: 2024-12-05. Review status: criteria provided, single submitter. Criteria: Ambry Variant Classification Scheme 2023. Collection method: clinical testing. Allele origin: germline.

Fulgent Genetics
Classification: Uncertain significance for Muscular dystrophy-dystroglycanopathy (congenital with brain and eye anomalies), type A, 4; Autosomal recessive limb-girdle muscular dystrophy type 2M; Dilated cardiomyopathy 1X; Muscular dystrophy-dystroglycanopathy (congenital without impaired intellectual development), type B, 4. Last evaluated: 2024-06-11. Review status: criteria provided, single submitter. Criteria: ACMG Guidelines, 2015. Collection method: clinical testing. Allele origin: germline.

Labcorp Genetics (formerly Invitae), Labcorp
Classification: Uncertain significance for Walker-Warburg congenital muscular dystrophy. Last evaluated: 2022-08-26. Review status: criteria provided, single submitter. Criteria: Invitae Variant Classification Sherloc (09022015). Collection method: clinical testing. Allele origin: germline.
Comment: This sequence change replaces valine, which is neutral and non-polar, with leucine, which is neutral and non-polar, at codon 268 of the FKTN protein (p.Val268Leu). This variant is present in population databases (no rsID available, gnomAD 0.006%). This variant has not been reported in the literature in individuals affected with FKTN-related conditions. ClinVar contains an entry for this variant (Variation ID: 238268). Algorithms developed to predict the effect of missense changes on protein structure and function (SIFT, PolyPhen-2, Align-GVGD) all suggest that this variant is likely to be tolerated. In summary, the available evidence is currently insufficient to determine the role of this variant in disease. Therefore, it has been classified as a Variant of Uncertain Significance.

GeneDx
Classification: Uncertain significance. Last evaluated: 2022-06-06. Review status: criteria provided, single submitter. Criteria: GeneDx Variant Classification Process June 2021. Collection method: clinical testing. Allele origin: germline. Affected: yes.
Comment: Not observed at significant frequency in large population cohorts (gnomAD); In silico analysis supports that this missense variant does not alter protein structure/function; Has not been previously published as pathogenic or benign to our knowledge

Stanford Center for Inherited Cardiovascular Disease, Stanford University
Classification: Uncertain significance. Last evaluated: 2016-02-17. Review status: criteria provided, single submitter. Criteria: ACMG Guidelines, 2015. Collection method: provider interpretation. Allele origin: germline.

Natera, Inc.
Classification: Uncertain significance for Walker-Warburg congenital muscular dystrophy. Last evaluated: 2020-11-16. Review status: no assertion criteria provided. Collection method: clinical testing. Allele origin: germline. Not counted in ClinVar's aggregate classification.